The following is an entry in ClinVar:

NM_001370259.2(MEN1):c.430T>G (p.Phe144Val)

Gene: MEN1 (menin 1; minus strand). Cytogenetic location: 11q13.1.
Variant type: single nucleotide variant.
Coding change: c.430T>G on transcript NM_001370259.2 (MANE Select); coding-DNA position 430, T replaced by G.
Protein change: p.Phe144Val; replaces phenylalanine 144 with valine.
Molecular consequence: missense variant.
Genome position (GRCh38, 1-based): chr11:64,809,680, A>C on the plus strand (T>G on the coding strand, the complement: MEN1 is on the minus strand). VCF-style: chr11-64809680-A-C. GRCh37 (hg19) VCF-style: chr11-64577152-A-C.
Other names: c.430T>G, p.Phe144Val (NM_000244.4, NM_001370251.2, NM_001370260.2 and 9 more transcripts); short protein forms F144V.
Identifiers: ClinVar variation 428091 (VCV000428091.21), dbSNP rs1114167543, ClinGen allele CA381186717.

ClinVar aggregate classification (germline): Conflicting classifications of pathogenicity. Review status: criteria provided, conflicting classifications (1 of 4 stars). 3 submissions from 3 submitters: Pathogenic (1); Likely pathogenic (1); Uncertain significance (1). Last evaluated 2025-11-26.

Conditions:
Hereditary cancer-predisposing syndrome. Also called: Hereditary neoplastic syndrome; Tumor predisposition; Neoplastic Syndromes, Hereditary; Hereditary Cancer Syndrome. Identifiers: Orphanet 140162, MedGen C0027672, MeSH D009386, MONDO:0015356.
Multiple endocrine neoplasia, type 1 (MEN1). Also called: MEN I; Endocrine adenomatosis multiple; MEN 1; WERMER SYNDROME; MEA I. Identifiers: Orphanet 652, MedGen C0025267, MeSH D018761, MONDO:0007540, OMIM 131100.

Submissions (3):

Ambry Genetics
Classification: Pathogenic for Hereditary cancer-predisposing syndrome. Last evaluated: 2025-11-26. Review status: criteria provided, single submitter. Criteria: Ambry Variant Classification Scheme 2023. Collection method: clinical testing. Allele origin: germline.
Comment: The p.F144V pathogenic mutation (also known as c.430T>G), located in coding exon 1 of the MEN1 gene, results from a T to G substitution at nucleotide position 430. The phenylalanine at codon 144 is replaced by valine, an amino acid with highly similar properties. This variant has been detected in multiple individuals diagnosed with multiple endocrrine neoplasia type 1 (Agarwal SK et al. Hum. Mol. Genet. 1997 Jul;6:1169-75; Klein RD et al. Genet. Med. 2005 Feb;7:131-8; Clerici T et al. Swiss Med Wkly. 2001 Jun;131:381-6). Functional studies have demonstrated that the p.F144V alteration impairs menin binding to transcription factors (Obungu VH et al. Oncogene. 2003 Sep;22:6347-58; Sukhodolets KE et al. Mol. Cell. Biol. 2003 Jan;23:493-509). In addition, based on internal structural assessment, this alteration is expected to cause structural destabilization near the substrate binding site (Ambry internal data; Huang J et al. Nature. 2012 Feb;482:542-6). This variant is considered to be rare based on population cohorts in the Genome Aggregation Database (gnomAD). Based on the supporting evidence, this alteration is interpreted as a disease-causing mutation.

Labcorp Genetics (formerly Invitae), Labcorp
Classification: Likely pathogenic for Multiple endocrine neoplasia, type 1. Last evaluated: 2025-03-03. Review status: criteria provided, single submitter. Criteria: Invitae Variant Classification Sherloc (09022015). Collection method: clinical testing. Allele origin: germline.
Comment: This sequence change replaces phenylalanine, which is neutral and non-polar, with valine, which is neutral and non-polar, at codon 144 of the MEN1 protein (p.Phe144Val). This variant is not present in population databases (gnomAD no frequency). This missense change has been observed in individual(s) with clinical features of multiple endocrine neoplasia type 1 (PMID: 9215689, 11524904, 15714081). ClinVar contains an entry for this variant (Variation ID: 428091). Invitae Evidence Modeling of protein sequence and biophysical properties (such as structural, functional, and spatial information, amino acid conservation, physicochemical variation, residue mobility, and thermodynamic stability) indicates that this missense variant is expected to disrupt MEN1 protein function with a positive predictive value of 95%. Experimental studies are conflicting or provide insufficient evidence to determine the effect of this variant on MEN1 function (PMID: 12509449, 14508515). This variant disrupts the p.Phe144 amino acid residue in MEN1. Other variant(s) that disrupt this residue have been observed in individuals with MEN1-related conditions (PMID: 9215689, 33101196), which suggests that this may be a clinically significant amino acid residue. In summary, the currently available evidence indicates that the variant is pathogenic, but additional data are needed to prove that conclusively. Therefore, this variant has been classified as Likely Pathogenic.

ARUP Laboratories, Molecular Genetics and Genomics, ARUP Laboratories
Classification: Uncertain significance for Multiple endocrine neoplasia, type 1. Last evaluated: 2018-12-10. Review status: criteria provided, single submitter. Criteria: ARUP Molecular Germline Variant Investigation Process. Collection method: clinical testing. Allele origin: germline.
Comment: The MEN1 c.430T>G; p.Phe144Val variant, is reported in the literature in individuals affected with multiple endocrine neoplasia type 1 (Agarwal 1997, Klein 2005). This variant is reported in ClinVar (Variation ID: 428091), and is absent from general population databases (1000 Genomes Project, Exome Variant Server, and Genome Aggregation Database), indicating it is not a common polymorphism. The phenylalanine at codon 144 is highly conserved, and computational analyses (SIFT, PolyPhen-2) predict that this variant is deleterious. Due to limited information, the clinical significance of the p.Phe144Val variant is uncertain at this time. References: Agarwal SK et al. Germline mutations of the MEN1 gene in familial multiple endocrine neoplasia type 1 and related states. Hum Mol Genet. 1997 Jul;6(7):1169-75. Klein RD et al. Clinical testing for multiple endocrine neoplasia type 1 in a DNA diagnostic laboratory. Genet Med. 2005 Feb;7(2):131-8.

Literature cited by the submitters: PubMed 11524904 (cited by Ambry Genetics and Labcorp Genetics (formerly Invitae), Labcorp); PubMed 11836268 (cited by Ambry Genetics); PubMed 12509449 (cited by Ambry Genetics and Labcorp Genetics (formerly Invitae), Labcorp); PubMed 14508515 (cited by Ambry Genetics and Labcorp Genetics (formerly Invitae), Labcorp); PubMed 15714081 (cited by Ambry Genetics and Labcorp Genetics (formerly Invitae), Labcorp); PubMed 22327296 (cited by Ambry Genetics); PubMed 9215689 (cited by Ambry Genetics and Labcorp Genetics (formerly Invitae), Labcorp); PubMed 33101196 (cited by Labcorp Genetics (formerly Invitae), Labcorp).